The following is an entry in ClinVar:

NM_001040108.2(MLH3):c.4288C>T (p.Arg1430Cys)

Gene: MLH3 (mutL homolog 3; minus strand). Cytogenetic location: 14q24.3.
Variant type: single nucleotide variant.
Coding change: c.4288C>T on transcript NM_001040108.2 (MANE Select); coding-DNA position 4288, C replaced by T.
Protein change: p.Arg1430Cys; replaces arginine 1430 with cysteine.
Molecular consequence: missense variant.
Genome position (GRCh38, 1-based): chr14:75,017,156, G>A on the plus strand (C>T on the coding strand, the complement: MLH3 is on the minus strand). VCF-style: chr14-75017156-G-A. GRCh37 (hg19) VCF-style: chr14-75483859-G-A.
Other names: c.4216C>T, p.Arg1406Cys (NM_014381.3); short protein forms R1430C, R1406C.
Identifiers: ClinVar variation 574521 (VCV000574521.10), dbSNP rs987273805, ClinGen allele CA263629495.

ClinVar aggregate classification (germline): Uncertain significance. Review status: criteria provided, multiple submitters, no conflicts (2 of 4 stars). 2 submissions from 2 submitters: Uncertain significance (2). Last evaluated 2024-07-30.

Conditions:
Colorectal cancer, hereditary nonpolyposis, type 7. Identifiers: Orphanet 144, MedGen C1858380, MONDO:0013725, OMIM 614385.

Allele frequency attached by ClinVar (database versions not stated): gnomAD 0.00001; gnomAD exomes 0.00001 and below 0.00001; TOPMed 0.00002.
gnomAD v4.1: 7 of 1,613,920 alleles (0.00043%); highest among the groups gnomAD compares: Middle Eastern, 0.016%; no homozygotes.

Submissions (2):

Ambry Genetics
Classification: Uncertain significance. Last evaluated: 2024-07-30. Review status: criteria provided, single submitter. Criteria: Ambry Variant Classification Scheme 2023. Collection method: clinical testing. Allele origin: germline.
Comment: The p.R1430C variant (also known as c.4288C>T), located in coding exon 12 of the MLH3 gene, results from a C to T substitution at nucleotide position 4288. The arginine at codon 1430 is replaced by cysteine, an amino acid with highly dissimilar properties. This variant is considered to be rare based on population cohorts in the Genome Aggregation Database (gnomAD). This amino acid position is well conserved in available vertebrate species. In addition, the in silico prediction for this alteration is inconclusive. Since supporting evidence is limited at this time, the clinical significance of this alteration remains unclear.

Labcorp Genetics (formerly Invitae), Labcorp
Classification: Uncertain significance for Colorectal cancer, hereditary nonpolyposis, type 7. Last evaluated: 2021-10-14. Review status: criteria provided, single submitter. Criteria: Invitae Variant Classification Sherloc (09022015). Collection method: clinical testing. Allele origin: germline.
Comment: This variant has not been reported in the literature in individuals affected with MLH3-related conditions. Algorithms developed to predict the effect of missense changes on protein structure and function are either unavailable or do not agree on the potential impact of this missense change (SIFT: "Deleterious"; PolyPhen-2: "Possibly Damaging"; Align-GVGD: "Class C0"). In summary, the available evidence is currently insufficient to determine the role of this variant in disease. Therefore, it has been classified as a Variant of Uncertain Significance. This sequence change replaces arginine with cysteine at codon 1430 of the MLH3 protein (p.Arg1430Cys). The arginine residue is weakly conserved and there is a large physicochemical difference between arginine and cysteine. This variant is not present in population databases (ExAC no frequency).